The following is an entry in ClinVar:

ClinVar aggregate classification (germline): Uncertain significance (1 of 4 stars; one submission).

gnomAD v4.1: 3 of 1,614,046 alleles (0.00019%); highest among the groups gnomAD compares: Admixed American, 0.005%; no homozygotes.

Submission:

Labcorp Genetics (formerly Invitae), Labcorp
Classification: Uncertain significance. Last evaluated: 2025-12-12. Review status: criteria provided, single submitter. Criteria: Invitae Variant Classification Sherloc (09022015). Collection method: clinical testing. Allele origin: germline.
Comment: This sequence change replaces glutamic acid, which is acidic and polar, with glutamine, which is neutral and polar, at codon 143 of the RRAGA protein (p.Glu143Gln). This variant is present in population databases (rs756030833, gnomAD 0.006%). This variant has not been reported in the literature in individuals affected with RRAGA-related conditions. An algorithm developed to predict the effect of missense changes on protein structure and function (PolyPhen-2) suggests that this variant is likely to be tolerated. In summary, the available evidence is currently insufficient to determine the role of this variant in disease. Therefore, it has been classified as a Variant of Uncertain Significance.

NM_006570.5(RRAGA):c.427G>C (p.Glu143Gln)

Gene: RRAGA (Ras related GTP binding A; plus strand). Cytogenetic location: 9p22.1.
Variant type: single nucleotide variant.
Coding change: c.427G>C on transcript NM_006570.5 (MANE Select); coding-DNA position 427, G replaced by C.
Protein change: p.Glu143Gln; replaces glutamic acid 143 with glutamine.
Molecular consequence: missense variant.
Genome position (GRCh38, 1-based): chr9:19,050,086, G>C. VCF-style: chr9-19050086-G-C. GRCh37 (hg19) VCF-style: chr9-19050084-G-C.
Other names: short protein forms E143Q.
Identifiers: ClinVar variation 4693460 (VCV004693460.1).